The following is an entry in ClinVar:

ClinVar aggregate classification (germline): Uncertain significance (1 of 4 stars; one submission).

Conditions:
Adenylosuccinate lyase deficiency (ADSLD). Also called: ADSL DEFICIENCY. Identifiers: Orphanet 46, MedGen C0268126, MONDO:0007068, OMIM 103050.

Allele frequency attached by ClinVar (database versions not stated): TOPMed below 0.00001.

Submission:

Labcorp Genetics (formerly Invitae), Labcorp
Classification: Uncertain significance for Adenylosuccinate lyase deficiency. Last evaluated: 2022-04-04. Review status: criteria provided, single submitter. Criteria: Invitae Variant Classification Sherloc (09022015). Collection method: clinical testing. Allele origin: germline.
Comment: The frequency data for this variant in the population databases is considered unreliable, as metrics indicate insufficient coverage at this position in the gnomAD database. This variant occurs in a non-coding region of the ADSL gene. It does not change the encoded amino acid sequence of the ADSL protein. This variant has not been reported in the literature in individuals affected with ADSL-related conditions. In summary, the available evidence is currently insufficient to determine the role of this variant in disease. Therefore, it has been classified as a Variant of Uncertain Significance. Experimental studies and prediction algorithms are not available or were not evaluated, and the functional significance of this variant is currently unknown.

NC_000022.11:g.40346200C>T

Gene: ADSL (adenylosuccinate lyase; plus strand). Cytogenetic location: 22q13.1.
Variant type: single nucleotide variant.
Genome position: GRCh38 VCF-style: chr22-40346200-C-T. GRCh37 (hg19) VCF-style: chr22-40742204-C-T.
Identifiers: ClinVar variation 2121456 (VCV002121456.5), dbSNP rs2044130347, ClinGen allele CA2405715701.
Genomic context (GRCh38, chr22:40,346,200, plus strand): 5'-CTTTTTGTTTTTTAGAGACGGGAGGGTCTCCCTGTGTTGCCCAGGCTGGTCTCGATCTGT[C>T]GGCCTCAAGCGATCCTCCGGTCTGGGGCCCCCACAGTGCTGGGATTACAAGCGTGAGCCA-3'